The following is an entry in ClinVar:

NM_001605.3(AARS1):c.70A>C (p.Thr24Pro)

Gene: AARS1 (alanyl-tRNA synthetase 1; minus strand). Cytogenetic location: 16q22.1.
Variant type: single nucleotide variant.
Coding change: c.70A>C on transcript NM_001605.3 (MANE Select); coding-DNA position 70, A replaced by C.
Protein change: p.Thr24Pro; replaces threonine 24 with proline.
Molecular consequence: missense variant.
Genome position (GRCh38, 1-based): chr16:70,282,694, T>G on the plus strand (A>C on the coding strand, the complement: AARS1 is on the minus strand). VCF-style: chr16-70282694-T-G. GRCh37 (hg19) VCF-style: chr16-70316597-T-G.
Other names: c.70A>C (NM_001605.2); short protein forms T24P.
Identifiers: ClinVar variation 1038409 (VCV001038409.33), dbSNP rs768158204, ClinGen allele CA8141234.
Genomic context (GRCh38, chr16:70,282,694, plus strand): 5'-CATTGGCAAAGAGCAAAGTGGGGTCATCCAATGGGATGGTGGCAGACGAGTGAACATACG[T>G]ATGCTCGTTCCTCTTGAAGAAATCTATAAATCGCTGCCGGATTTCACTTGCTGTTAGAGT-3'
Protein context (NP_001596.2, residues 14-34): FIDFFKRNEH[Thr24Pro]YVHSSATIPL

ClinVar aggregate classification (germline): Uncertain significance. Review status: criteria provided, multiple submitters, no conflicts (2 of 4 stars). 3 submissions from 3 submitters: Uncertain significance (3). Last evaluated 2022-09-01.

Conditions:
Charcot-Marie-Tooth disease type 2. Also called: Charcot-Marie-Tooth type 2. Identifiers: Orphanet 64746, MedGen C0270914, MONDO:0018993.
Inborn genetic diseases. Identifiers: MedGen C0950123, MeSH D030342.

Allele frequency attached by ClinVar (database versions not stated): ExAC 0.00001; gnomAD exomes 0.00001.
gnomAD v4.1: 21 of 1,614,162 alleles (0.0013%); highest among the groups gnomAD compares: Non-Finnish European, 0.0018%; no homozygotes.

Submissions (3):

CeGaT Center for Human Genetics Tuebingen
Classification: Uncertain significance. Last evaluated: 2022-09-01. Review status: criteria provided, single submitter. Criteria: CeGaT Center For Human Genetics Tuebingen Variant Classification Criteria Version 2. Collection method: clinical testing. Allele origin: germline. Affected: yes. Observed: 1 variant allele.
Comment: AARS1: PM2, BP4

Ambry Genetics
Classification: Uncertain significance for Inborn genetic diseases. Last evaluated: 2021-08-02. Review status: criteria provided, single submitter. Criteria: Ambry Variant Classification Scheme 2023. Collection method: clinical testing. Allele origin: germline.

Labcorp Genetics (formerly Invitae), Labcorp
Classification: Uncertain significance for Charcot-Marie-Tooth disease type 2. Last evaluated: 2020-03-15. Review status: criteria provided, single submitter. Criteria: Invitae Variant Classification Sherloc (09022015). Collection method: clinical testing. Allele origin: germline.
Comment: This sequence change replaces threonine with proline at codon 24 of the AARS protein (p.Thr24Pro). The threonine residue is moderately conserved and there is a small physicochemical difference between threonine and proline. This variant is present in population databases (rs768158204, ExAC 0.001%). This variant has not been reported in the literature in individuals with AARS-related conditions. Algorithms developed to predict the effect of missense changes on protein structure and function (SIFT, PolyPhen-2, Align-GVGD) all suggest that this variant is likely to be tolerated, but these predictions have not been confirmed by published functional studies and their clinical significance is uncertain. In summary, the available evidence is currently insufficient to determine the role of this variant in disease. Therefore, it has been classified as a Variant of Uncertain Significance.